The following is an entry in ClinVar:

NM_005216.5(DDOST):c.626C>T (p.Pro209Leu)

Gene: DDOST (dolichyl-diphosphooligosaccharide--protein glycosyltransferase non-catalytic subunit; minus strand). Cytogenetic location: 1p36.12.
Variant type: single nucleotide variant.
Coding change: c.626C>T on transcript NM_005216.5 (MANE Select); coding-DNA position 626, C replaced by T.
Protein change: p.Pro209Leu; replaces proline 209 with leucine.
Molecular consequence: missense variant.
Genome position (GRCh38, 1-based): chr1:20,654,633, G>A on the plus strand (C>T on the coding strand, the complement: DDOST is on the minus strand). VCF-style: chr1-20654633-G-A. GRCh37 (hg19) VCF-style: chr1-20981126-G-A.
Other names: short protein forms P209L.
Identifiers: ClinVar variation 1966450 (VCV001966450.5), dbSNP rs144656615, ClinGen allele CA661169.

ClinVar aggregate classification (germline): Uncertain significance (1 of 4 stars; one submission).

Conditions:
Congenital disorder of glycosylation type Ir (CDG1R). Also called: DDOST-congenital disorder of glycosylation. Identifiers: Orphanet 300536, MedGen C3281084, MONDO:0013789, OMIM 614507.

Allele frequency attached by ClinVar (database versions not stated): ESP Exome Variant Server 0.00008; ExAC 0.00034; 1000 Genomes Project 0.00080; 1000 Genomes Project 30x 0.00094.
gnomAD v4.1: 129 of 1,563,750 alleles (0.0082%); highest among the groups gnomAD compares: South Asian, 0.043%; no homozygotes.

Submission:

Labcorp Genetics (formerly Invitae), Labcorp
Classification: Uncertain significance for Congenital disorder of glycosylation type Ir. Last evaluated: 2025-07-06. Review status: criteria provided, single submitter. Criteria: Invitae Variant Classification Sherloc (09022015). Collection method: clinical testing. Allele origin: germline.
Comment: This sequence change replaces proline, which is neutral and non-polar, with leucine, which is neutral and non-polar, at codon 226 of the DDOST protein (p.Pro226Leu). This variant is present in population databases (rs144656615, gnomAD 0.07%), and has an allele count higher than expected for a pathogenic variant. This variant has not been reported in the literature in individuals affected with DDOST-related conditions. ClinVar contains an entry for this variant (Variation ID: 1966450). Invitae Evidence Modeling of protein sequence and biophysical properties (such as structural, functional, and spatial information, amino acid conservation, physicochemical variation, residue mobility, and thermodynamic stability) indicates that this missense variant is not expected to disrupt DDOST protein function with a negative predictive value of 80%. In summary, the available evidence is currently insufficient to determine the role of this variant in disease. Therefore, it has been classified as a Variant of Uncertain Significance.